The following is an entry in ClinVar:

ClinVar aggregate classification (germline): Uncertain significance (1 of 4 stars; one submission).

Submission:

Women's Health and Genetics/Laboratory Corporation of America, LabCorp
Classification: Uncertain significance. Last evaluated: 2024-02-19. Review status: criteria provided, single submitter. Criteria: LabCorp Variant Classification Summary - May 2015. Collection method: clinical testing. Allele origin: germline.
Comment: Variant summary: HTT c.171G>T (p.Gln57His) results in a non-conservative amino acid change in the encoded protein sequence. Three of five in-silico tools predict a benign effect of the variant on protein function. The variant was absent in 1312910 control chromosomes (gnomAD v4.0). The available data on variant occurrences in the general population are insufficient to allow any conclusion about variant significance. To our knowledge, no occurrence of c.171G>T in individuals affected with Huntington Disease and no experimental evidence demonstrating its impact on protein function have been reported. No submitters have cited clinical-significance assessments for this variant to ClinVar. Based on the evidence outlined above, the variant was classified as uncertain significance.

NM_001388492.1(HTT):c.171G>T (p.Gln57His)

Gene: HTT (huntingtin; plus strand). Cytogenetic location: 4p16.3.
Variant type: single nucleotide variant.
Coding change: c.171G>T on transcript NM_001388492.1 (MANE Select); coding-DNA position 171, G replaced by T.
Protein change: p.Gln57His; replaces glutamine 57 with histidine.
Molecular consequence: missense variant.
Genome position (GRCh38, 1-based): chr4:3,074,996, G>T. VCF-style: chr4-3074996-G-T. GRCh37 (hg19) VCF-style: chr4-3076723-G-T.
Other names: c.177G>T, p.Gln59His (NM_002111.8); short protein forms Q57H, Q59H.
Identifiers: ClinVar variation 3068982 (VCV003068982.1), dbSNP rs1442265763, ClinGen allele CA356075686.